The following is an entry in ClinVar:

ClinVar aggregate classification (germline): Uncertain significance (1 of 4 stars; one submission).

Submission:

Labcorp Genetics (formerly Invitae), Labcorp
Classification: Uncertain significance. Last evaluated: 2024-02-22. Review status: criteria provided, single submitter. Criteria: Invitae Variant Classification Sherloc (09022015). Collection method: clinical testing. Allele origin: germline.
Comment: This sequence change replaces alanine, which is neutral and non-polar, with aspartic acid, which is acidic and polar, at codon 17 of the BRWD3 protein (p.Ala17Asp). This variant is not present in population databases (gnomAD no frequency). This variant has not been reported in the literature in individuals affected with BRWD3-related conditions. Advanced modeling of protein sequence and biophysical properties (such as structural, functional, and spatial information, amino acid conservation, physicochemical variation, residue mobility, and thermodynamic stability) performed at Invitae indicates that this missense variant is not expected to disrupt BRWD3 protein function with a negative predictive value of 95%. In summary, the available evidence is currently insufficient to determine the role of this variant in disease. Therefore, it has been classified as a Variant of Uncertain Significance.

NM_153252.5(BRWD3):c.50C>A (p.Ala17Asp)

Gene: BRWD3 (bromodomain and WD repeat domain containing 3; minus strand). Cytogenetic location: Xq21.1.
Variant type: single nucleotide variant.
Coding change: c.50C>A on transcript NM_153252.5 (MANE Select); coding-DNA position 50, C replaced by A.
Protein change: p.Ala17Asp; replaces alanine 17 with aspartic acid.
Molecular consequence: missense variant.
Genome position (GRCh38, 1-based): chrX:80,809,286, G>T on the plus strand (C>A on the coding strand, the complement: BRWD3 is on the minus strand). VCF-style: chrX-80809286-G-T. GRCh37 (hg19) VCF-style: chrX-80064785-G-T.
Other names: short protein forms A17D.
Identifiers: ClinVar variation 3635012 (VCV003635012.2).
Genomic context (GRCh38, chrX:80,809,286, plus strand): 5'-GATCTCTTTCTTCCCCTTACCTGAGCGGATTTGTTGCAGGGTCCAGACTGCAAGAACCTA[G>T]CGATCAGGTAATACAGCTCTGGGGAAGAGGGGGGAAAAGAGGTTCAGAGGGAGGTAGAGA-3'
Protein context (NP_694984.5, residues 7-27): QIEAELYYLI[Ala17Asp]RFLQSGPCNK